The following is an entry in ClinVar:

ClinVar aggregate classification (germline): Likely pathogenic (0 of 4 stars; one submission).

Conditions:
DNAH5-related disorder. Also called: DNAH5-related condition.

Submission:

PreventionGenetics, part of Exact Sciences
Classification: Likely pathogenic for DNAH5-related condition. Last evaluated: 2024-02-15. Review status: no assertion criteria provided. Collection method: clinical testing. Allele origin: germline.
Comment: The DNAH5 c.5953G>C variant is predicted to result in the amino acid substitution p.Gly1985Arg. To our knowledge, this variant has not been reported in the literature or in a large population database, indicating this variant is rare. This variant is interpreted as likely pathogenic.

NM_001369.3(DNAH5):c.5953G>C (p.Gly1985Arg)

Gene: DNAH5 (dynein axonemal heavy chain 5; minus strand). Cytogenetic location: 5p15.2.
Variant type: single nucleotide variant.
Coding change: c.5953G>C on transcript NM_001369.3 (MANE Select); coding-DNA position 5953, G replaced by C.
Protein change: p.Gly1985Arg; replaces glycine 1985 with arginine.
Molecular consequence: missense variant.
Genome position (GRCh38, 1-based): chr5:13,830,705, C>G on the plus strand (G>C on the coding strand, the complement: DNAH5 is on the minus strand). VCF-style: chr5-13830705-C-G. GRCh37 (hg19) VCF-style: chr5-13830814-C-G.
Other names: short protein forms G1985R.
Identifiers: ClinVar variation 3030734 (VCV003030734.2), dbSNP rs2546882158, ClinGen allele CA359202813.